The following is an entry in ClinVar:

ClinVar aggregate classification (germline): Pathogenic (1 of 4 stars; one submission).

Conditions:
KLHL7-related disorder. Also called: KLHL7-related disorders; KLHL7-related condition.

Submission:

Daryl Scott Lab, Baylor College of Medicine
Classification: Pathogenic for KLHL7-related disorder. Last evaluated: 2025-08-25. Review status: criteria provided, single submitter. Criteria: ACMG Guidelines, 2015. Collection method: clinical testing. Allele origin: paternal. Affected: yes. Observed: 1 compound heterozygote.
Comment: PVS1, PM2, PM3

NM_001031710.3(KLHL7):c.595_596del (p.Leu199fs)

Gene: KLHL7 (kelch like family member 7; plus strand). Cytogenetic location: 7p15.3.
Variant type: Microsatellite.
Coding change: c.595_596del on transcript NM_001031710.3 (MANE Select); coding-DNA positions 595 to 596, 2 bases deleted (CT; older notation c.595_596delCT).
Protein change: p.Leu199fs; shifts the reading frame from leucine 199.
Molecular consequence: frameshift variant. On other transcripts: non-coding transcript variant (1).
Genome position (GRCh38, 1-based): chr7:23,140,921-23,140,922, CT deleted; deleting any 2 consecutive bases within chr7:23,140,919-23,140,922 gives the same sequence; the c. name uses the placement nearest the transcript's 3' end. VCF-style (leftmost placement, unchanged base first): chr7-23140918-ACT-A. GRCh37 (hg19) VCF-style: chr7-23180537-ACT-A.
Other names: c.451_452del, p.Leu151fs (NM_018846.5); short protein forms L151fs, L199fs.
Identifiers: ClinVar variation 4279705 (VCV004279705.1).
Genomic context (GRCh38, chr7:23,140,918, plus strand): 5'-AAAACTGATGAATTTCTTCAACTTGATGTCAAGCGAGTAACACATCTTCTCAACCAGGAC[ACT>A]CTGACTGTGAGAGCAGAGGATCAGGTGACTAAATTGCCTTCTCACATTTTTCTTAATAAA-3'